The following is an entry in ClinVar:

NM_000288.4(PEX7):c.653C>T (p.Ala218Val)

Gene: PEX7 (peroxisomal biogenesis factor 7; plus strand). Cytogenetic location: 6q23.3.
Variant type: single nucleotide variant.
Coding change: c.653C>T on transcript NM_000288.4 (MANE Select); coding-DNA position 653, C replaced by T.
Protein change: p.Ala218Val; replaces alanine 218 with valine.
Molecular consequence: missense variant.
Genome position (GRCh38, 1-based): chr6:136,869,909, C>T. VCF-style: chr6-136869909-C-T. GRCh37 (hg19) VCF-style: chr6-137191047-C-T.
Other names: short protein forms A218V.
Identifiers: ClinVar variation 7781 (VCV000007781.61), dbSNP rs121909151, ClinGen allele CA130482.
Genomic context (GRCh38, chr6:136,869,909, plus strand): 5'-GCAAAGATGTCACAGTTTATGTTTCTCTGAATTGTTTTTAGAATTTGCTGGTGACCGGGG[C>T]GGTTGACTGTAGTTTGAGAGGCTGGGACTTAAGGAATGTACGACAACCAGTGTTTGAACT-3'
Protein context (NP_000279.1, residues 208-228): KYNENLLVTG[Ala218Val]VDCSLRGWDL

ClinVar aggregate classification (germline): Pathogenic/Likely pathogenic. Review status: criteria provided, multiple submitters, no conflicts (2 of 4 stars). 16 submissions from 14 submitters: Pathogenic (9); Likely pathogenic (3). 4 of the submissions do not count toward it. Last evaluated 2026-07-31.

Conditions:
PEX7-related disorder. Also called: PEX7-related condition; PEX7-related disorders. Identifiers: MedGen CN239409.
Rhizomelic chondrodysplasia punctata (RCDP). Identifiers: Orphanet 177, MedGen C0282529, MONDO:0015776. Disease mechanism: loss of function.
Peroxisome biogenesis disorder 9B. Also called: PEX7-Related Refsum Disease; Refsum disease, adult, 2; PEROXISOME BIOGENESIS DISORDER, PEX7-RELATED, ATYPICAL. Identifiers: Orphanet 773, MedGen C2749346, MONDO:0013945, OMIM 614879.
Rhizomelic chondrodysplasia punctata type 1 (RCDP1). Also called: CHONDRODYSTROPHIA CALCIFICANS PUNCTATA; PEX7-Related Rhizomelic Chondrodysplasia Punctata; PEROXISOME BIOGENESIS DISORDER 9. Identifiers: Orphanet 177, Orphanet 309789, MedGen C1859133, MONDO:0008972, OMIM 215100. Disease mechanism: loss of function.
Refsum disease, classic. Also called: PHYH-Related Refsum Disease; PHYTANIC ACID OXIDASE DEFICIENCY; HEREDOPATHIA ATACTICA POLYNEURITIFORMIS; HMSN IV. Identifiers: Orphanet 773, MedGen C5780941, MONDO:1060256, OMIM 266500. Disease mechanism: loss of function.

Allele frequency attached by ClinVar (database versions not stated): ExAC 0.00002; gnomAD 0.00003; gnomAD exomes 0.00003; TOPMed 0.00005.
gnomAD v4.1: 73 of 1,613,612 alleles (0.0045%); highest among the groups gnomAD compares: Non-Finnish European, 0.0059%; no homozygotes.

Submissions (16):

PreventionGenetics, part of Exact Sciences
Classification: Pathogenic for PEX7-related condition. Last evaluated: 2026-07-31. Review status: criteria provided, single submitter. Criteria: ACMG Guidelines, 2015. Collection method: clinical testing. Allele origin: germline.
Comment: The PEX7 c.653C>T variant is predicted to result in the amino acid substitution p.Ala218Val. This variant has been reported to be the second most common pathogenic PEX7 variant and accounts for ~6-12% of the RCDP cases (Braverman et al. 1997. PubMed ID: 9090381; Motley et al. 2002. PubMed ID: 11781871).This variant is reported in 0.0062% of alleles in individuals of European (Non-Finnish) descent in gnomAD. This variant is interpreted as pathogenic.

Natera, Inc.
Classification: Likely pathogenic for Rhizomelic Chondrodysplasia Punctata. Last evaluated: 2025-08-15. Review status: criteria provided, single submitter. Criteria: Natera Variant Classification Schema (03/2026). Collection method: clinical testing. Allele origin: germline.
Comment: The c.653C>T variant in PEX7 is a missense variant predicted to cause substitution of alanine to valine at amino acid 218. This variant is rare in the general population with a frequency below the threshold expected for the associated phenotype(s). This variant has been observed in one or more individuals affected with the associated recessive disease, as either homozygous or compound heterozygous with a second variant (PMID: 12325024, 11781871, 26408048). Functional studies show that this variant may disrupt protein function (PMID: 9090381). Given the available evidence, this variant is classified as Likely Pathogenic.

Blueprint Genetics
Classification: Pathogenic for PEX7-related disorders. Last evaluated: 2024-11-06. Review status: criteria provided, single submitter. Criteria: ACMG Guidelines, 2015. Collection method: clinical testing. Allele origin: germline. Affected: yes. Observed: 5 variant alleles.

Labcorp Genetics (formerly Invitae), Labcorp
Classification: Pathogenic for Peroxisome biogenesis disorder 9B. Last evaluated: 2024-05-01. Review status: criteria provided, single submitter. Criteria: Invitae Variant Classification Sherloc (09022015). Collection method: clinical testing. Allele origin: germline.
Comment: This sequence change replaces alanine, which is neutral and non-polar, with valine, which is neutral and non-polar, at codon 218 of the PEX7 protein (p.Ala218Val). This variant is present in population databases (rs121909151, gnomAD 0.006%). This missense change has been observed in individuals with rhizomelic chondrodysplasia punctata (PMID: 9090381, 10083738, 11781871, 12325024). ClinVar contains an entry for this variant (Variation ID: 7781). An algorithm developed to predict the effect of missense changes on protein structure and function (PolyPhen-2) suggests that this variant is likely to be tolerated. Experimental studies have shown that this missense change affects PEX7 function (PMID: 11756410, 11781871). For these reasons, this variant has been classified as Pathogenic.

GeneDx
Classification: Pathogenic. Last evaluated: 2024-04-06. Review status: criteria provided, single submitter. Criteria: GeneDx Variant Classification Process June 2021. Collection method: clinical testing. Allele origin: germline. Affected: yes.
Comment: Published functional studies demonstrate that the variant severely impairs protein function (PMID: 9090381); Not observed at significant frequency in large population cohorts (gnomAD); In silico analysis supports that this missense variant has a deleterious effect on protein structure/function; This variant is associated with the following publications: (PMID: 9090381, 11756410, 10083738, 12325024, 31589614, 33337545, 11781871)

Baylor Genetics
Classification: Pathogenic for Peroxisome biogenesis disorder 9B. Last evaluated: 2023-12-14. Review status: criteria provided, single submitter. Criteria: ACMG Guidelines, 2015. Collection method: clinical testing. Allele origin: unknown.

Fulgent Genetics
Classification: Likely pathogenic for Rhizomelic chondrodysplasia punctata type 1; Refsum disease, classic; Peroxisome biogenesis disorder 9B. Last evaluated: 2021-12-22. Review status: criteria provided, single submitter. Criteria: ACMG Guidelines, 2015. Collection method: clinical testing. Allele origin: unknown.

CeGaT Center for Human Genetics Tuebingen
Classification: Pathogenic. Last evaluated: 2021-12-01. Review status: criteria provided, single submitter. Criteria: CeGaT Center For Human Genetics Tuebingen Variant Classification Criteria Version 2. Collection method: clinical testing. Allele origin: germline. Affected: yes. Observed: 1 variant allele.

Women's Health and Genetics/Laboratory Corporation of America, LabCorp
Classification: Pathogenic for Rhizomelic chondrodysplasia punctata type 1. Last evaluated: 2020-10-04. Review status: criteria provided, single submitter. Criteria: LabCorp Variant Classification Summary - May 2015. Collection method: clinical testing. Allele origin: germline.
Comment: Variant summary: PEX7 c.653C>T (p.Ala218Val) results in a non-conservative amino acid change located in the WD40-repeat-containing domain (IPR017986) of the encoded protein sequence. Three of five in-silico tools predict a benign effect of the variant on protein function. The variant allele was found at a frequency of 3.2e-05 in 251372 control chromosomes. c.653C>T has been reported in the literature in multiple individuals affected with Rhizomelic Chondrodysplasia Punctata Type (example, Braverman_1997, Shimozawa_1999, Braverman_2002, Motley_2002). These data indicate that the variant is very likely to be associated with disease. At least two publications report experimental evidence evaluating an impact on protein function. The most pronounced variant effect results in impaired transport of PTS2 (peroxisome-targeting signal type 2 (PTS2) nonapeptide sequence) signal containing proteins into the peroxisomes (Braverman_1997, Mukai_2002). Three clinical diagnostic laboratories have submitted clinical-significance assessments for this variant to ClinVar after 2014 without evidence for independent evaluation. All laboratories classified the variant as pathogenic/likely pathogenic. Based on the evidence outlined above, the variant was classified as pathogenic.

Myriad Genetics, Inc.
Classification: Likely pathogenic for Rhizomelic chondrodysplasia punctata type 1. Last evaluated: 2019-12-09. Review status: criteria provided, single submitter. Criteria: Myriad Women's Health Autosomal Recessive and X-Linked Classification Criteria (2019). Collection method: clinical testing. Allele origin: unknown.
Comment: NM_000288.3(PEX7):c.653C>T(A218V) is classified as likely pathogenic in the context of rhizomelic chondrodysplasia punctata type 1. Sources cited for classification include the following: PMID 12325024, 9090382, 9090381 and 11756410. Classification of NM_000288.3(PEX7):c.653C>T(A218V) is based on the following criteria: This variant has been observed more frequently in patients with clinical diagnoses than in healthy populations. Please note: this variant was assessed in the context of healthy population screening.

Baylor Genetics
Classification: Pathogenic for Rhizomelic chondrodysplasia punctata type 1. Review status: criteria provided, single submitter. Criteria: ACMG Guidelines, 2015. Collection method: clinical testing. Allele origin: germline.

Juno Genomics, Hangzhou Juno Genomics, Inc
Classification: Pathogenic for Peroxisome biogenesis disorder 9B; Rhizomelic chondrodysplasia punctata type 1. Review status: criteria provided, single submitter. Criteria: ACMG Guidelines, 2015. Collection method: clinical testing. Allele origin: germline. Affected: yes.
Comment: Absent from controls (or at extremely low frequency if recessive) in Genome Aggregation Database.;For recessive disorders, detected in trans with a pathogenic variant.;Patient's phenotype or family history is highly specific for a disease with a single genetic etiology.;Well-established in vitro or in vivo functional studies supportive of a damaging effect on the gene or gene product.

Laboratory of Molecular Genetics (Pr. Bezieau's lab), CHU de Nantes
Classification: Pathogenic. Last evaluated: 2016-08-26. Review status: no assertion criteria provided. Collection method: clinical testing. Allele origin: germline. Affected: yes. Not counted in ClinVar's aggregate classification.

OMIM
Classification: Pathogenic for RHIZOMELIC CHONDRODYSPLASIA PUNCTATA, TYPE 1. Last evaluated: 1997-04-01. Review status: no assertion criteria provided. Collection method: literature only. Allele origin: germline. Not counted in ClinVar's aggregate classification.

OMIM
Classification: Pathogenic for PEROXISOME BIOGENESIS DISORDER 9B. Last evaluated: 1997-04-01. Review status: no assertion criteria provided. Collection method: literature only. Allele origin: germline. Not counted in ClinVar's aggregate classification.

GeneReviews
No classification provided. Condition: Rhizomelic chondrodysplasia punctata type 1. Review status: no classification provided. Collection method: literature only. Allele origin: unknown. Not counted in ClinVar's aggregate classification.

Literature cited by the submitters: PubMed 12325024 (cited by 4 submitters); PubMed 11781871 (cited by 3 submitters); PubMed 26408048 (cited by Natera, Inc.); PubMed 9090381 (cited by 5 submitters); PubMed 10083738 (cited by Labcorp Genetics (formerly Invitae), Labcorp and Women's Health and Genetics/Laboratory Corporation of America, LabCorp); PubMed 11756410 (cited by 3 submitters); PubMed 9090382 (cited by Myriad Genetics, Inc. and OMIM); PubMed 20301447 (cited by GeneReviews); NCBI Bookshelf NBK1270 (cited by GeneReviews).